The following is an entry in ClinVar:

NM_001272071.2(AP1S2):c.426G>A (p.Glu142=)

Gene: AP1S2 (adaptor related protein complex 1 subunit sigma 2; minus strand). Cytogenetic location: Xp22.2.
Variant type: single nucleotide variant.
Coding change: c.426G>A on transcript NM_001272071.2 (MANE Select); coding-DNA position 426, G replaced by A.
Protein change: p.Glu142=; no amino-acid change (glutamic acid 142 retained).
Molecular consequence: synonymous variant. On other transcripts: non-coding transcript variant (2).
Genome position (GRCh38, 1-based): chrX:15,845,379, C>T on the plus strand (G>A on the coding strand, the complement: AP1S2 is on the minus strand). VCF-style: chrX-15845379-C-T. GRCh37 (hg19) VCF-style: chrX-15863502-C-T.
Other names: NC_000023.10:g.15863502C>T; c.426G>A, p.Glu142= (NM_001368994.1, NM_001369007.1, NM_001369008.1 and 1 more transcripts).
Identifiers: ClinVar variation 3361731 (VCV003361731.2).
Genomic context (GRCh38, chrX:15,845,379, plus strand): 5'-GAGACTTCCCCAGCAAGAGCAAAACATGCTAGTGCCTAGTGAAGAGAATAAGTAGCTTAC[C>T]TCCTGCAGTAGATCAGCCTGCTCAATTGCTTTAAGGACATTTTTCTTGGATGTTTCCTGA-3'
Protein context (NP_001259000.1, residues 132-152): KAIEQADLLQ[Glu142=]DAKEAETPRS

ClinVar aggregate classification (germline): Uncertain significance (1 of 4 stars; one submission).

Submissions (2):

GeneDx
Classification: Uncertain significance. Last evaluated: 2023-07-28. Review status: criteria provided, single submitter. Criteria: GeneDx Variant Classification Process June 2021. Collection method: clinical testing. Allele origin: germline. Affected: yes.
Comment: Not observed at significant frequency in large population cohorts (gnomAD); In silico analysis supports that this variant does not alter splicing; Has not been previously published as pathogenic or benign to our knowledge

Dr. Peter K. Rogan Lab, Western University
No classification provided (evidence only). Condition: Nonpapillary renal cell carcinoma. Review status: no classification provided. Collection method: in vitro. Allele origin: not applicable. Functional consequence: retained intron. Not counted in ClinVar's aggregate classification.